The following is an entry in ClinVar:

NM_005257.6(GATA6):c.902C>A (p.Ala301Glu)

Gene: GATA6 (GATA binding protein 6; plus strand). Cytogenetic location: 18q11.2.
Variant type: single nucleotide variant.
Coding change: c.902C>A on transcript NM_005257.6 (MANE Select); coding-DNA position 902, C replaced by A.
Protein change: p.Ala301Glu; replaces alanine 301 with glutamic acid.
Molecular consequence: missense variant.
Genome position (GRCh38, 1-based): chr18:22,172,046, C>A. VCF-style: chr18-22172046-C-A. GRCh37 (hg19) VCF-style: chr18-19752007-C-A.
Other names: c.902C>A (NM_005257.3); short protein forms A301E.
Identifiers: ClinVar variation 1005949 (VCV001005949.10), dbSNP rs2033058989, ClinGen allele CA401801321.

ClinVar aggregate classification (germline): Uncertain significance. Review status: criteria provided, multiple submitters, no conflicts (2 of 4 stars). 2 submissions from 2 submitters: Uncertain significance (2). Last evaluated 2025-12-08.

Conditions:
Inborn genetic diseases. Identifiers: MedGen C0950123, MeSH D030342.
Atrioventricular septal defect 5 (AVSD5). Identifiers: MedGen C3280939, MONDO:0013769, OMIM 614474.

Allele frequency attached by ClinVar (database versions not stated): gnomAD 0.00001; 1000 Genomes Project 30x 0.00016.
gnomAD v4.1: 6 of 1,263,768 alleles (0.00047%); highest among the groups gnomAD compares: South Asian, 0.0031%; no homozygotes.

Submissions (2):

Ambry Genetics
Classification: Uncertain significance for Inborn genetic diseases. Last evaluated: 2025-12-08. Review status: criteria provided, single submitter. Criteria: Ambry Variant Classification Scheme 2023. Collection method: clinical testing. Allele origin: germline.

Labcorp Genetics (formerly Invitae), Labcorp
Classification: Uncertain significance for Atrioventricular septal defect 5. Last evaluated: 2023-05-09. Review status: criteria provided, single submitter. Criteria: Invitae Variant Classification Sherloc (09022015). Collection method: clinical testing. Allele origin: germline.
Comment: In summary, the available evidence is currently insufficient to determine the role of this variant in disease. Therefore, it has been classified as a Variant of Uncertain Significance. Advanced modeling of protein sequence and biophysical properties (such as structural, functional, and spatial information, amino acid conservation, physicochemical variation, residue mobility, and thermodynamic stability) performed at Invitae indicates that this missense variant is not expected to disrupt GATA6 protein function. ClinVar contains an entry for this variant (Variation ID: 1005949). This variant has not been reported in the literature in individuals affected with GATA6-related conditions. The frequency data for this variant in the population databases is considered unreliable, as metrics indicate insufficient coverage at this position in the gnomAD database. This sequence change replaces alanine, which is neutral and non-polar, with glutamic acid, which is acidic and polar, at codon 301 of the GATA6 protein (p.Ala301Glu).